The following is an entry in ClinVar:

NM_016151.4(TAOK2):c.1763A>G (p.Lys588Arg)

Gene: TAOK2 (TAO kinase 2; plus strand). Cytogenetic location: 16p11.2.
Variant type: single nucleotide variant.
Coding change: c.1763A>G on transcript NM_016151.4 (MANE Select); coding-DNA position 1763, A replaced by G.
Protein change: p.Lys588Arg; replaces lysine 588 with arginine.
Molecular consequence: missense variant.
Genome position (GRCh38, 1-based): chr16:29,985,553, A>G. VCF-style: chr16-29985553-A-G. GRCh37 (hg19) VCF-style: chr16-29996874-A-G.
Other names: c.1763A>G, p.Lys588Arg (NM_001252043.2, NM_004783.4); short protein forms K588R.
Identifiers: ClinVar variation 1513017 (VCV001513017.6), dbSNP rs373817628, ClinGen allele CA7998204.

ClinVar aggregate classification (germline): Uncertain significance (1 of 4 stars; one submission).

Allele frequency attached by ClinVar (database versions not stated): TOPMed below 0.00001; gnomAD 0.00001; gnomAD exomes 0.00001 and 0.00002; ExAC 0.00004; ESP Exome Variant Server 0.00008.

Submission:

Labcorp Genetics (formerly Invitae), Labcorp
Classification: Uncertain significance. Last evaluated: 2022-02-25. Review status: criteria provided, single submitter. Criteria: Invitae Variant Classification Sherloc (09022015). Collection method: clinical testing. Allele origin: germline.
Comment: This variant is present in population databases (rs373817628, gnomAD 0.004%). This sequence change replaces lysine, which is basic and polar, with arginine, which is basic and polar, at codon 588 of the TAOK2 protein (p.Lys588Arg). This variant has not been reported in the literature in individuals affected with TAOK2-related conditions. Algorithms developed to predict the effect of missense changes on protein structure and function (SIFT, PolyPhen-2, Align-GVGD) all suggest that this variant is likely to be tolerated. In summary, the available evidence is currently insufficient to determine the role of this variant in disease. Therefore, it has been classified as a Variant of Uncertain Significance.